The following is an entry in ClinVar:

NM_014846.4(WASHC5):c.1642A>G (p.Met548Val)

Gene: WASHC5 (WASH complex subunit 5; minus strand). Cytogenetic location: 8q24.13.
Variant type: single nucleotide variant.
Coding change: c.1642A>G on transcript NM_014846.4 (MANE Select); coding-DNA position 1642, A replaced by G.
Protein change: p.Met548Val; replaces methionine 548 with valine.
Molecular consequence: missense variant.
Genome position (GRCh38, 1-based): chr8:125,059,422, T>C on the plus strand (A>G on the coding strand, the complement: WASHC5 is on the minus strand). VCF-style: chr8-125059422-T-C. GRCh37 (hg19) VCF-style: chr8-126071664-T-C.
Other names: c.1198A>G, p.Met400Val (NM_001330609.2); short protein forms M400V, M548V.
Identifiers: ClinVar variation 1344363 (VCV001344363.8), dbSNP rs138176168, ClinGen allele CA4873770.

ClinVar aggregate classification (germline): Uncertain significance. Review status: criteria provided, multiple submitters, no conflicts (2 of 4 stars). 4 submissions from 4 submitters: Uncertain significance (4). Last evaluated 2025-04-28.

Conditions:
Hereditary spastic paraplegia 8 (SPG8). Also called: SPASTIC PARAPLEGIA 8, AUTOSOMAL DOMINANT. Identifiers: Orphanet 100989, MedGen C1863704, MONDO:0011339, OMIM 603563.
Ritscher-Schinzel syndrome. Also called: CRANIOCEREBELLOCARDIAC DYSPLASIA. Identifiers: Orphanet 7, MedGen C0796137, MONDO:0019078.
Hereditary spastic paraplegia. Also called: Familial spastic paraparesis. Identifiers: Orphanet 685, MedGen C0037773, MONDO:0019064. Disease mechanism: loss of function.

Allele frequency attached by ClinVar (database versions not stated): gnomAD 0.00003; ESP Exome Variant Server 0.00008; ExAC 0.00004; gnomAD exomes 0.00003; TOPMed 0.00004.
gnomAD v4.1: 53 of 1,614,188 alleles (0.0033%); highest among the groups gnomAD compares: Middle Eastern, 0.016%; no homozygotes.

Submissions (4):

Labcorp Genetics (formerly Invitae), Labcorp
Classification: Uncertain significance for Ritscher-Schinzel syndrome; Hereditary spastic paraplegia 8. Last evaluated: 2025-04-28. Review status: criteria provided, single submitter. Criteria: Invitae Variant Classification Sherloc (09022015). Collection method: clinical testing. Allele origin: germline.
Comment: This sequence change replaces methionine, which is neutral and non-polar, with valine, which is neutral and non-polar, at codon 548 of the WASHC5 protein (p.Met548Val). This variant is present in population databases (rs138176168, gnomAD 0.006%). This variant has not been reported in the literature in individuals affected with WASHC5-related conditions. ClinVar contains an entry for this variant (Variation ID: 1344363). Invitae Evidence Modeling of protein sequence and biophysical properties (such as structural, functional, and spatial information, amino acid conservation, physicochemical variation, residue mobility, and thermodynamic stability) indicates that this missense variant is not expected to disrupt WASHC5 protein function with a negative predictive value of 80%. In summary, the available evidence is currently insufficient to determine the role of this variant in disease. Therefore, it has been classified as a Variant of Uncertain Significance.

Department of Human Genetics, Hannover Medical School
Classification: Uncertain significance for Hereditary spastic paraplegia 8. Last evaluated: 2025-04-08. Review status: criteria provided, single submitter. Criteria: ACMG Guidelines, 2015. Collection method: clinical testing. Allele origin: germline. Affected: yes.

Genome Diagnostics Laboratory, The Hospital for Sick Children
Classification: Uncertain significance for Hereditary spastic paraplegia. Last evaluated: 2020-12-23. Review status: criteria provided, single submitter. Criteria: ACMG Guidelines, 2015. Collection method: clinical testing. Allele origin: germline. Affected: yes.

Genetic Foundation of Khorasan Razavi (GFKR)
Classification: Uncertain significance for Hereditary spastic paraplegia 8. Review status: criteria provided, single submitter. Criteria: ACMG Guidelines, 2015. Collection method: clinical testing. Allele origin: de novo. Affected: yes. Observed: 1 heterozygote.
Comment: The variant is very rare from population databases, and segregation analysis supports its association with the disease. In addition, this variant has been previously submitted to ClinVar as Uncertain significance(VCV001344363.6).